The following is an entry in ClinVar:

ClinVar aggregate classification (germline): Uncertain significance. Review status: criteria provided, multiple submitters, no conflicts (2 of 4 stars). 2 submissions from 2 submitters: Uncertain significance (2). Last evaluated 2025-12-02.

Conditions:
Inborn genetic diseases. Identifiers: MedGen C0950123, MeSH D030342.

Submissions (2):

Ambry Genetics
Classification: Uncertain significance for Inborn genetic diseases. Last evaluated: 2025-12-02. Review status: criteria provided, single submitter. Criteria: Ambry Variant Classification Scheme 2023. Collection method: clinical testing. Allele origin: germline.

GeneDx
Classification: Uncertain significance. Last evaluated: 2023-10-15. Review status: criteria provided, single submitter. Criteria: GeneDx Variant Classification Process June 2021. Collection method: clinical testing. Allele origin: germline. Affected: yes.
Comment: Not observed at significant frequency in large population cohorts (gnomAD); In silico analysis supports that this missense variant has a deleterious effect on protein structure/function; Has not been previously published as pathogenic or benign to our knowledge

NM_001046.3(SLC12A2):c.1653C>A (p.Asn551Lys)

Gene: SLC12A2 (solute carrier family 12 member 2; plus strand). Cytogenetic location: 5q23.3.
Variant type: single nucleotide variant.
Coding change: c.1653C>A on transcript NM_001046.3 (MANE Select); coding-DNA position 1653, C replaced by A.
Protein change: p.Asn551Lys; replaces asparagine 551 with lysine.
Molecular consequence: missense variant. On other transcripts: non-coding transcript variant (1).
Genome position (GRCh38, 1-based): chr5:128,141,861, C>A. VCF-style: chr5-128141861-C-A. GRCh37 (hg19) VCF-style: chr5-127477553-C-A.
Other names: c.1653C>A, p.Asn551Lys (NM_001256461.2); short protein forms N551K.
Identifiers: ClinVar variation 3366117 (VCV003366117.2).